The following is an entry in ClinVar:

NM_015650.4(TRAF3IP1):c.290C>T (p.Ala97Val)

Gene: TRAF3IP1 (TRAF3 interacting protein 1; plus strand). Cytogenetic location: 2q37.3.
Variant type: single nucleotide variant.
Coding change: c.290C>T on transcript NM_015650.4 (MANE Select); coding-DNA position 290, C replaced by T.
Protein change: p.Ala97Val; replaces alanine 97 with valine.
Molecular consequence: missense variant.
Genome position (GRCh38, 1-based): chr2:238,325,906, C>T. VCF-style: chr2-238325906-C-T. GRCh37 (hg19) VCF-style: chr2-239234547-C-T.
Other names: c.290C>T, p.Ala97Val (NM_001139490.1); c.290C>T (NM_015650.3); short protein forms A97V.
Identifiers: ClinVar variation 1437888 (VCV001437888.8), dbSNP rs748053310, ClinGen allele CA2198007.

ClinVar aggregate classification (germline): Uncertain significance. Review status: criteria provided, multiple submitters, no conflicts (2 of 4 stars). 2 submissions from 2 submitters: Uncertain significance (2). Last evaluated 2022-09-01.

Conditions:
Inborn genetic diseases. Identifiers: MedGen C0950123, MeSH D030342.

Allele frequency attached by ClinVar (database versions not stated): gnomAD 0.00001; gnomAD exomes 0.00002; TOPMed 0.00002; ExAC 0.00003.

Submissions (2):

Labcorp Genetics (formerly Invitae), Labcorp
Classification: Uncertain significance. Last evaluated: 2022-09-01. Review status: criteria provided, single submitter. Criteria: Invitae Variant Classification Sherloc (09022015). Collection method: clinical testing. Allele origin: germline.
Comment: This sequence change replaces alanine, which is neutral and non-polar, with valine, which is neutral and non-polar, at codon 97 of the TRAF3IP1 protein (p.Ala97Val). This variant is present in population databases (rs748053310, gnomAD 0.005%). This variant has not been reported in the literature in individuals affected with TRAF3IP1-related conditions. ClinVar contains an entry for this variant (Variation ID: 1437888). Algorithms developed to predict the effect of missense changes on protein structure and function are either unavailable or do not agree on the potential impact of this missense change (SIFT: "Deleterious"; PolyPhen-2: "Possibly Damaging"; Align-GVGD: "Class C0"). Algorithms developed to predict the effect of sequence changes on RNA splicing suggest that this variant may create or strengthen a splice site. In summary, the available evidence is currently insufficient to determine the role of this variant in disease. Therefore, it has been classified as a Variant of Uncertain Significance.

Ambry Genetics
Classification: Uncertain significance for Inborn genetic diseases. Last evaluated: 2022-07-13. Review status: criteria provided, single submitter. Criteria: Ambry Variant Classification Scheme 2023. Collection method: clinical testing. Allele origin: germline.